The following is an entry in ClinVar:

NM_004961.4(GABRE):c.56+7C>G

Gene: GABRE (gamma-aminobutyric acid type A receptor subunit epsilon; minus strand). Cytogenetic location: Xq28.
Variant type: single nucleotide variant.
Coding change: c.56+7C>G on transcript NM_004961.4 (MANE Select); 7 bases into the intron after coding-DNA position 56, C replaced by G.
Molecular consequence: intron variant.
Genome position (GRCh38, 1-based): chrX:151,974,563, G>C on the plus strand (C>G on the coding strand, the complement: GABRE is on the minus strand). VCF-style: chrX-151974563-G-C. GRCh37 (hg19) VCF-style: chrX-151143035-G-C.
Identifiers: ClinVar variation 2661665 (VCV002661665.24), dbSNP rs202034981, ClinGen allele CA10542730.

ClinVar aggregate classification (germline): Likely benign (1 of 4 stars; one submission).

Allele frequency attached by ClinVar (database versions not stated): gnomAD exomes 0.00004; TOPMed 0.00014; gnomAD 0.00017; ExAC 0.00045; 1000 Genomes Project 30x 0.00125; 1000 Genomes Project 0.00132.

Submission:

CeGaT Center for Human Genetics Tuebingen
Classification: Likely benign. Last evaluated: 2023-01-01. Review status: criteria provided, single submitter. Criteria: CeGaT Center For Human Genetics Tuebingen Variant Classification Criteria Version 2. Collection method: clinical testing. Allele origin: germline. Affected: yes. Observed: 1 variant allele.
Comment: GABRE: BP4, BS2